The following is an entry in ClinVar:

ClinVar aggregate classification (germline): Conflicting classifications of pathogenicity. Review status: criteria provided, conflicting classifications (1 of 4 stars). 8 submissions from 8 submitters: Uncertain significance (4); Likely benign (3). 1 of the submissions does not count toward it. Last evaluated 2025-10-21.

Conditions:
Lymphangiomyomatosis (LAM). Also called: Lymphangioleiomyomatosis; Lymphangioleiomyomatosis, somatic. Identifiers: Orphanet 538, MedGen C0751674, MONDO:0011705, OMIM 606690.
Tuberous sclerosis 2 (TSC2). Identifiers: Orphanet 805, MedGen C1860707, MONDO:0013199, OMIM 613254.
Isolated focal cortical dysplasia type II (FCORD2). Also called: CORTICAL DYSPLASIA OF TAYLOR; Focal cortical dysplasia type II. Identifiers: Orphanet 268994, MedGen C1846385, MONDO:0011818, OMIM 607341, HP:0032051.
Hereditary cancer-predisposing syndrome. Also called: Neoplastic Syndromes, Hereditary; Tumor predisposition; Hereditary Cancer Syndrome; Hereditary neoplastic syndrome. Identifiers: Orphanet 140162, MedGen C0027672, MeSH D009386, MONDO:0015356.
Tuberous sclerosis syndrome (TSC). Also called: Tuberous Sclerosis Complex; Tuberous sclerosis. Identifiers: Orphanet 805, MedGen C0041341, MONDO:0001734.

Allele frequency attached by ClinVar (database versions not stated): TOPMed 0.00001.
gnomAD v4.1: 3 of 1,613,534 alleles (0.00019%); highest among the groups gnomAD compares: Non-Finnish European, 0.00025%; no homozygotes.

Submissions (8):

Labcorp Genetics (formerly Invitae), Labcorp
Classification: Likely benign for Tuberous sclerosis 2. Last evaluated: 2025-10-21. Review status: criteria provided, single submitter. Criteria: Invitae Variant Classification Sherloc (09022015). Collection method: clinical testing. Allele origin: germline.

Women's Health and Genetics/Laboratory Corporation of America, LabCorp
Classification: Uncertain significance. Last evaluated: 2024-12-24. Review status: criteria provided, single submitter. Criteria: LabCorp Variant Classification Summary - May 2015. Collection method: clinical testing. Allele origin: germline.
Comment: Variant summary: TSC2 c.1882C>G (p.Arg628Gly) results in a non-conservative amino acid change in the encoded protein sequence. Five of five in-silico tools predict a damaging effect of the variant on protein function. The variant allele was found at a frequency of 4e-06 in 250502 control chromosomes (gnomAD). The available data on variant occurrences in the general population are insufficient to allow any conclusion about variant significance. c.1882C>G has been reported in the literature in an individual(s) affected with Tuberous Sclerosis Complex (Au_2007). This report does not provide unequivocal conclusions about association of the variant with Tuberous Sclerosis Complex. At least one publication reports experimental evidence evaluating an impact on protein function, however, does not allow convincing conclusions about the variant effect (Hoogeveen-Westerveld_2011). The following publications have been ascertained in the context of this evaluation (PMID: 21309039, 17304050). ClinVar contains an entry for this variant (Variation ID: 49603). Based on the evidence outlined above, the variant was classified as uncertain significance.

GeneDx
Classification: Uncertain significance. Last evaluated: 2024-11-04. Review status: criteria provided, single submitter. Criteria: GeneDx Variant Classification Process June 2021. Collection method: clinical testing. Allele origin: germline. Affected: yes.
Comment: Published functional studies demonstrate decreased TSC2 and TSC1 signals and elevated S6K phosphorylation compared to wild type (PMID: 21309039); In silico analysis supports that this missense variant has a deleterious effect on protein structure/function; This variant is associated with the following publications: (PMID: 21520333, 32778766, 21309039, 36149413, 17304050)

Fulgent Genetics
Classification: Uncertain significance for Lymphangiomyomatosis; Isolated focal cortical dysplasia type II; Tuberous sclerosis 2. Last evaluated: 2024-04-24. Review status: criteria provided, single submitter. Criteria: ACMG Guidelines, 2015. Collection method: clinical testing. Allele origin: germline.

All of Us Research Program, National Institutes of Health
Classification: Uncertain significance for Tuberous sclerosis syndrome. Last evaluated: 2023-06-28. Review status: criteria provided, single submitter. Criteria: ACMG Guidelines, 2015. Collection method: clinical testing. Allele origin: germline. Inheritance: Autosomal dominant inheritance. Observed: 1 variant allele, 1 heterozygote.
Comment: This missense variant replaces arginine with glycine at codon 628 of the TSC2 protein. Computational prediction suggests that this variant may have deleterious impact on protein structure and function (internally defined REVEL score threshold >= 0.7, PMID: 27666373). Functional studies with this variant have demonstrated that phosphoryation of S6 kinase was significantly increased compared to wild-type, indicating impairment of TSC1-TSC2 dependent inhibition of TORC1 activity (PMID: 21309039).. To our knowlede, this variant has not been reported in individuals affected with hereditary cancer in the literature. This variant has been identified in 1/250502 chromosomes in the general population by the Genome Aggregation Database (gnomAD). The available evidence is insufficient to determine the role of this variant in disease conclusively. Therefore, this variant is classified as a Variant of Uncertain Significance.

This study involves interpretation of variants in research participants for the purpose of population health screening. Participant phenotype was not available at the time of variant classification. Additional details can be found in publication PMID: 35346344, PMCID: PMC8962531

Ambry Genetics
Classification: Likely benign for Hereditary cancer-predisposing syndrome. Last evaluated: 2022-03-08. Review status: criteria provided, single submitter. Criteria: Ambry Variant Classification Scheme 2023. Collection method: clinical testing. Allele origin: germline.

Genome-Nilou Lab
Classification: Likely benign for Tuberous sclerosis 2. Last evaluated: 2021-11-07. Review status: criteria provided, single submitter. Criteria: ACMG Guidelines, 2015. Collection method: clinical testing. Allele origin: germline. Affected: no.

Tuberous sclerosis database (TSC2)
No classification provided. Condition: TSC. Review status: no classification provided. Criteria: Tuberous Sclerosis Database Assertion Criteria 2015. Collection method: curation. Allele origin: germline. Affected: yes. Not counted in ClinVar's aggregate classification.

Literature cited by the submitters: PubMed 21309039 (cited by 3 submitters); PubMed 17304050 (cited by Women's Health and Genetics/Laboratory Corporation of America, LabCorp and Ambry Genetics).

NM_000548.5(TSC2):c.1882C>G (p.Arg628Gly)

Gene: TSC2 (TSC complex subunit 2; plus strand). Cytogenetic location: 16p13.3.
Variant type: single nucleotide variant.
Coding change: c.1882C>G on transcript NM_000548.5 (MANE Select); coding-DNA position 1882, C replaced by G.
Protein change: p.Arg628Gly; replaces arginine 628 with glycine.
Molecular consequence: missense variant.
Genome position (GRCh38, 1-based): chr16:2,071,552, C>G. VCF-style: chr16-2071552-C-G. GRCh37 (hg19) VCF-style: chr16-2121553-C-G.
Other names: c.1882C>G, p.Arg628Gly (NM_001077183.3, NM_001114382.3, NM_001363528.2 and 3 more transcripts); c.1771C>G, p.Arg591Gly (NM_001318827.2); c.1735C>G, p.Arg579Gly (NM_001318829.2); c.1282C>G, p.Arg428Gly (NM_001318831.2); c.1915C>G, p.Arg639Gly (NM_001318832.2); short protein forms R628G, R579G, R428G, R591G, R639G.
Identifiers: ClinVar variation 49603 (VCV000049603.22), dbSNP rs45437797, ClinGen allele CA016143.
Genomic context (GRCh38, chr16:2,071,552, plus strand): 5'-CCATCCTCTTCCTGACAGGCCTTTGACTTCCTGTTGCTGCTGCGGGCCGACTCACTGCAC[C>G]GCCTGGGCCTGCCCAACAAGGATGGAGTCGTGCGGTTCAGCCCCTACTGCGTCTGCGACT-3'
Protein context (NP_000539.2, residues 618-638): LLLLRADSLH[Arg628Gly]LGLPNKDGVV